The following is an entry in ClinVar:

NM_001330700.2(TOP2B):c.4710+5C>T

Gene: TOP2B (DNA topoisomerase II beta; minus strand). Cytogenetic location: 3p24.2.
Variant type: single nucleotide variant.
Coding change: c.4710+5C>T on transcript NM_001330700.2 (MANE Select); 5 bases into the intron after coding-DNA position 4710, C replaced by T.
Molecular consequence: intron variant.
Genome position (GRCh38, 1-based): chr3:25,599,430, G>A on the plus strand (C>T on the coding strand, the complement: TOP2B is on the minus strand). VCF-style: chr3-25599430-G-A. GRCh37 (hg19) VCF-style: chr3-25640921-G-A.
Other names: c.4695+5C>T (NM_001068.3).
Identifiers: ClinVar variation 1469139 (VCV001469139.6), dbSNP rs775304137, ClinGen allele CA2288015.

ClinVar aggregate classification (germline): Uncertain significance (1 of 4 stars; one submission).

Allele frequency attached by ClinVar (database versions not stated): ExAC 0.00001; gnomAD exomes 0.00001; gnomAD 0.00003; TOPMed 0.00004.
gnomAD v4.1: 31 of 1,612,324 alleles (0.0019%); highest among the groups gnomAD compares: Admixed American, 0.0067%; no homozygotes.

Submission:

Labcorp Genetics (formerly Invitae), Labcorp
Classification: Uncertain significance. Last evaluated: 2024-06-19. Review status: criteria provided, single submitter. Criteria: Invitae Variant Classification Sherloc (09022015). Collection method: clinical testing. Allele origin: germline.
Comment: This sequence change falls in intron 35 of the TOP2B gene. It does not directly change the encoded amino acid sequence of the TOP2B protein. It affects a nucleotide within the consensus splice site. This variant is present in population databases (rs775304137, gnomAD 0.002%). This variant has not been reported in the literature in individuals affected with TOP2B-related conditions. ClinVar contains an entry for this variant (Variation ID: 1469139). Variants that disrupt the consensus splice site are a relatively common cause of aberrant splicing (PMID: 17576681, 9536098). Algorithms developed to predict the effect of sequence changes on RNA splicing suggest that this variant is not likely to affect RNA splicing. In summary, the available evidence is currently insufficient to determine the role of this variant in disease. Therefore, it has been classified as a Variant of Uncertain Significance.

Literature cited by the submitters: PubMed 17576681; PubMed 9536098.